The following is an entry in ClinVar:

ClinVar aggregate classification (germline): Pathogenic/Likely pathogenic. Review status: criteria provided, multiple submitters, no conflicts (2 of 4 stars). 2 submissions from 2 submitters: Pathogenic (1); Likely pathogenic (1). Last evaluated 2025-12-30.

Conditions:
Mucopolysaccharidosis, MPS-III-D (MPS3D). Also called: MPS IIID (Sanfilippo Syndrome Type D); MPS III D; Mucopoly-saccharidosis type 3D; N-acetylglucosamine-6-sulfate sulfatase deficiency; MPS 3D; N-ACETYLGLUCOSAMINE-6-SULFATASE DEFICIENCY. Identifiers: Orphanet 581, Orphanet 79272, MedGen C0086650, MONDO:0009658, OMIM 252940.

Submissions (2):

Labcorp Genetics (formerly Invitae), Labcorp
Classification: Pathogenic for Mucopolysaccharidosis, MPS-III-D. Last evaluated: 2025-12-30. Review status: criteria provided, single submitter. Criteria: Invitae Variant Classification Sherloc (09022015). Collection method: clinical testing. Allele origin: germline.
Comment: This sequence change creates a premature translational stop signal (p.Gln127Lysfs*25) in the GNS gene. It is expected to result in an absent or disrupted protein product. Loss-of-function variants in GNS are known to be pathogenic (PMID: 20232353). This variant is not present in population databases (gnomAD no frequency). This variant has not been reported in the literature in individuals affected with GNS-related conditions. ClinVar contains an entry for this variant (Variation ID: 1402148). For these reasons, this variant has been classified as Pathogenic.

Juno Genomics, Hangzhou Juno Genomics, Inc
Classification: Likely pathogenic for Mucopolysaccharidosis, MPS-III-D. Review status: criteria provided, single submitter. Criteria: ACMG Guidelines, 2015. Collection method: clinical testing. Allele origin: germline.
Comment: Absent from controls (or at extremely low frequency if recessive) in Genome Aggregation Database.;Null variant in a gene where loss of function (LOF) is a known mechanism of disease.

Literature cited by the submitters: PubMed 20232353 (cited by Labcorp Genetics (formerly Invitae), Labcorp).

NM_002076.4(GNS):c.379del (p.Gln127fs)

Gene: GNS (glucosamine (N-acetyl)-6-sulfatase; minus strand). Cytogenetic location: 12q14.3.
Variant type: Deletion.
Coding change: c.379del on transcript NM_002076.4 (MANE Select); coding-DNA position 379, one base deleted (C; older notation c.379delC).
Protein change: p.Gln127fs; shifts the reading frame from glutamine 127.
Molecular consequence: frameshift variant.
Genome position (GRCh38, 1-based): chr12:64,747,792, G deleted on the plus strand (C on the coding strand, the reverse complement: GNS is on the minus strand); the first of 2 consecutive G bases (chr12:64,747,792-64,747,793); deleting either gives the same sequence. VCF-style (leftmost placement, unchanged base first): chr12-64747791-TG-T. GRCh37 (hg19) VCF-style: chr12-65141571-TG-T.
Other names: short protein forms Q127fs.
Identifiers: ClinVar variation 1402148 (VCV001402148.8), dbSNP rs1869941124, ClinGen allele CA2042259570.